The following is an entry in ClinVar:

ClinVar aggregate classification (germline): Uncertain significance. Review status: criteria provided, multiple submitters, no conflicts (2 of 4 stars). 2 submissions from 2 submitters: Uncertain significance (2). Last evaluated 2024-06-03.

Conditions:
Karyomegalic interstitial nephritis. Identifiers: Orphanet 401996, MedGen C3553774, MONDO:0013898, OMIM 614817.

Allele frequency attached by ClinVar (database versions not stated): gnomAD exomes below 0.00001 and 0.00001; TOPMed 0.00001; gnomAD 0.00002.
gnomAD v4.1: 24 of 1,613,982 alleles (0.0015%); highest among the groups gnomAD compares: African/African-American, 0.004%; no homozygotes.

Submissions (2):

Fulgent Genetics
Classification: Uncertain significance for Karyomegalic interstitial nephritis. Last evaluated: 2024-06-03. Review status: criteria provided, single submitter. Criteria: ACMG Guidelines, 2015. Collection method: clinical testing. Allele origin: germline.

Labcorp Genetics (formerly Invitae), Labcorp
Classification: Uncertain significance. Last evaluated: 2023-08-04. Review status: criteria provided, single submitter. Criteria: Invitae Variant Classification Sherloc (09022015). Collection method: clinical testing. Allele origin: germline.
Comment: In summary, the available evidence is currently insufficient to determine the role of this variant in disease. Therefore, it has been classified as a Variant of Uncertain Significance. This sequence change replaces glutamine, which is neutral and polar, with arginine, which is basic and polar, at codon 204 of the FAN1 protein (p.Gln204Arg). This variant is present in population databases (no rsID available, gnomAD 0.0009%). This variant has not been reported in the literature in individuals affected with FAN1-related conditions. ClinVar contains an entry for this variant (Variation ID: 1415655). Algorithms developed to predict the effect of missense changes on protein structure and function output the following: SIFT: "Not Available"; PolyPhen-2: "Benign"; Align-GVGD: "Not Available". The arginine amino acid residue is found in multiple mammalian species, which suggests that this missense change does not adversely affect protein function.

NM_014967.5(FAN1):c.611A>G (p.Gln204Arg)

Gene: FAN1 (FANCD2 and FANCI associated nuclease 1; plus strand). Cytogenetic location: 15q13.3.
Variant type: single nucleotide variant.
Coding change: c.611A>G on transcript NM_014967.5 (MANE Select); coding-DNA position 611, A replaced by G.
Protein change: p.Gln204Arg; replaces glutamine 204 with arginine.
Molecular consequence: missense variant.
Genome position (GRCh38, 1-based): chr15:30,905,274, A>G. VCF-style: chr15-30905274-A-G. GRCh37 (hg19) VCF-style: chr15-31197477-A-G.
Other names: c.611A>G, p.Gln204Arg (NM_001146094.2, NM_001146095.1, NM_001146096.2); short protein forms Q204R.
Identifiers: ClinVar variation 1415655 (VCV001415655.7), dbSNP rs1468278877, ClinGen allele CA391522507.